The following is an entry in ClinVar:

ClinVar aggregate classification (germline): Uncertain significance (1 of 4 stars; one submission).

Conditions:
CSMD3-related disorder. Also called: CSMD3-related condition.

Submission:

PreventionGenetics, part of Exact Sciences
Classification: Uncertain significance for CSMD3-related condition. Last evaluated: 2025-09-02. Review status: criteria provided, single submitter. Criteria: ACMG Guidelines, 2015. Collection method: clinical testing. Allele origin: germline.
Comment: The CSMD3 c.8087G>C variant is predicted to result in the amino acid substitution p.Ser2696Thr. To our knowledge, this variant has not been reported in the literature or in a large population database (gnomAD), indicating this variant is rare. At this time, the clinical significance of this variant is uncertain due to the absence of conclusive functional and genetic evidence.

NM_198123.2(CSMD3):c.8087G>C (p.Ser2696Thr)

Gene: CSMD3 (CUB and Sushi multiple domains 3; minus strand). Cytogenetic location: 8q23.3.
Variant type: single nucleotide variant.
Coding change: c.8087G>C on transcript NM_198123.2 (MANE Select); coding-DNA position 8087, G replaced by C.
Protein change: p.Ser2696Thr; replaces serine 2696 with threonine.
Molecular consequence: missense variant. On other transcripts: intron variant (1).
Genome position (GRCh38, 1-based): chr8:112,304,900, C>G on the plus strand (G>C on the coding strand, the complement: CSMD3 is on the minus strand). VCF-style: chr8-112304900-C-G. GRCh37 (hg19) VCF-style: chr8-113317129-C-G.
Other names: c.7487G>C, p.Ser2496Thr (NM_001363185.1); c.7967G>C, p.Ser2656Thr (NM_198124.2); c.7759+1107G>C (NM_052900.3); short protein forms S2656T, S2696T, S2496T.
Identifiers: ClinVar variation 4991668 (VCV004991668.1).